The following is an entry in ClinVar:

ClinVar aggregate classification (germline): Pathogenic. Review status: criteria provided, multiple submitters, no conflicts (2 of 4 stars). 2 submissions from 2 submitters: Pathogenic (2). Last evaluated 2024-05-01.

Submissions (2):

CeGaT Center for Human Genetics Tuebingen
Classification: Pathogenic. Last evaluated: 2024-05-01. Review status: criteria provided, single submitter. Criteria: CeGaT Center For Human Genetics Tuebingen Variant Classification Criteria Version 2. Collection method: clinical testing. Allele origin: germline. Affected: yes. Observed: 1 variant allele.
Comment: CNOT3: PVS1, PM2

Centre of Medical Genetics, University Hospital Muenster
Classification: Pathogenic. Last evaluated: 2021-12-10. Review status: criteria provided, single submitter. Criteria: ACMG Guidelines, 2015. Collection method: clinical testing. Allele origin: de novo. Affected: yes. Observed: 1 variant allele, 1 heterozygote.
Comment: ACMG categories: PVS1,PS2,PM2

NM_014516.4(CNOT3):c.1941dup (p.Tyr648fs)

Gene: CNOT3 (CCR4-NOT transcription complex subunit 3; plus strand). Cytogenetic location: 19q13.42.
Variant type: Duplication.
Coding change: c.1941dup on transcript NM_014516.4 (MANE Select); coding-DNA position 1941, one base duplicated (C; older notation c.1941dupC).
Protein change: p.Tyr648fs; shifts the reading frame from tyrosine 648.
Molecular consequence: frameshift variant.
Genome position (GRCh38, 1-based): chr19:54,152,903, C duplicated; the last of 6 consecutive C bases (chr19:54,152,898-54,152,903); duplicating any one gives the same sequence. VCF-style (leftmost placement, unchanged base first): chr19-54152897-G-GC. GRCh37 (hg19) VCF-style: chr19-54656634-G-GC.
Other names: short protein forms Y648fs.
Identifiers: ClinVar variation 1708348 (VCV001708348.22), dbSNP rs2514223066, ClinGen allele CA2580097760.